The following is an entry in ClinVar:

ClinVar aggregate classification (germline): Uncertain significance (1 of 4 stars; one submission).

Conditions:
Brugada syndrome. Also called: Sudden Unexplained Death Syndrome; Sudden Unexplained Nocturnal Death Syndrome (SUNDS); Sudden unexpected nocturnal death syndrome; Sudden unexplained nocturnal death syndrome. Identifiers: Orphanet 130, MedGen C1142166, MONDO:0015263.

Allele frequency attached by ClinVar (database versions not stated): gnomAD exomes below 0.00001; ExAC 0.00001; gnomAD 0.00001.

Submission:

Labcorp Genetics (formerly Invitae), Labcorp
Classification: Uncertain significance for Brugada syndrome. Last evaluated: 2021-11-04. Review status: criteria provided, single submitter. Criteria: Invitae Variant Classification Sherloc (09022015). Collection method: clinical testing. Allele origin: germline.
Comment: In summary, the available evidence is currently insufficient to determine the role of this variant in disease. Therefore, it has been classified as a Variant of Uncertain Significance. Algorithms developed to predict the effect of missense changes on protein structure and function (SIFT, PolyPhen-2, Align-GVGD) all suggest that this variant is likely to be tolerated. This variant has not been reported in the literature in individuals affected with CACNA2D1-related conditions. This variant is present in population databases (rs776559898, gnomAD 0.0009%). This sequence change replaces glycine, which is neutral and non-polar, with aspartic acid, which is acidic and polar, at codon 774 of the CACNA2D1 protein (p.Gly774Asp).

NM_000722.4(CACNA2D1):c.2321G>A (p.Gly774Asp)

Gene: CACNA2D1 (calcium voltage-gated channel auxiliary subunit alpha2delta 1; minus strand). Cytogenetic location: 7q21.11.
Variant type: single nucleotide variant.
Coding change: c.2321G>A on transcript NM_000722.4 (MANE Select); coding-DNA position 2321, G replaced by A.
Protein change: p.Gly774Asp; replaces glycine 774 with aspartic acid.
Molecular consequence: missense variant.
Genome position (GRCh38, 1-based): chr7:81,968,961, C>T on the plus strand (G>A on the coding strand, the complement: CACNA2D1 is on the minus strand). VCF-style: chr7-81968961-C-T. GRCh37 (hg19) VCF-style: chr7-81598277-C-T.
Other names: c.2357G>A, p.Gly786Asp (NM_001366867.1); short protein forms G774D, G786D.
Identifiers: ClinVar variation 1391117 (VCV001391117.6), dbSNP rs776559898, ClinGen allele CA4317649.